The following is an entry in ClinVar:

ClinVar aggregate classification (germline): Uncertain significance (1 of 4 stars; one submission).

Conditions:
Spastic paraplegia. Identifiers: MedGen C0037772, HP:0001258.

gnomAD v4.1: 3 of 1,614,050 alleles (0.00019%); highest among the groups gnomAD compares: East Asian, 0.0022%; no homozygotes.

Submission:

Labcorp Genetics (formerly Invitae), Labcorp
Classification: Uncertain significance for Spastic paraplegia. Last evaluated: 2024-05-09. Review status: criteria provided, single submitter. Criteria: Invitae Variant Classification Sherloc (09022015). Collection method: clinical testing. Allele origin: germline.
Comment: This sequence change replaces aspartic acid, which is acidic and polar, with asparagine, which is neutral and polar, at codon 478 of the KIF5A protein (p.Asp478Asn). This variant is not present in population databases (gnomAD no frequency). This variant has not been reported in the literature in individuals affected with KIF5A-related conditions. Advanced modeling of protein sequence and biophysical properties (such as structural, functional, and spatial information, amino acid conservation, physicochemical variation, residue mobility, and thermodynamic stability) has been performed at Invitae for this missense variant, however the output from this modeling did not meet the statistical confidence thresholds required to predict the impact of this variant on KIF5A protein function. In summary, the available evidence is currently insufficient to determine the role of this variant in disease. Therefore, it has been classified as a Variant of Uncertain Significance.

NM_004984.4(KIF5A):c.1432G>A (p.Asp478Asn)

Gene: KIF5A (kinesin family member 5A; plus strand). Cytogenetic location: 12q13.3.
Variant type: single nucleotide variant.
Coding change: c.1432G>A on transcript NM_004984.4 (MANE Select); coding-DNA position 1432, G replaced by A.
Protein change: p.Asp478Asn; replaces aspartic acid 478 with asparagine.
Molecular consequence: missense variant.
Genome position (GRCh38, 1-based): chr12:57,572,130, G>A. VCF-style: chr12-57572130-G-A. GRCh37 (hg19) VCF-style: chr12-57965913-G-A.
Other names: c.1165G>A, p.Asp389Asn (NM_001354705.2); short protein forms D389N, D478N.
Identifiers: ClinVar variation 3603838 (VCV003603838.2).